The following is an entry in ClinVar:

NM_004056.6(CA8):c.795C>A (p.Gly265=)

Gene: CA8 (carbonic anhydrase 8 (inactive); minus strand). Cytogenetic location: 8q12.1.
Variant type: single nucleotide variant.
Coding change: c.795C>A on transcript NM_004056.6 (MANE Select); coding-DNA position 795, C replaced by A.
Protein change: p.Gly265=; no amino-acid change (glycine 265 retained).
Molecular consequence: synonymous variant. On other transcripts: 3 prime UTR variant (1), non-coding transcript variant (1).
Genome position (GRCh38, 1-based): chr8:60,208,863, G>T on the plus strand (C>A on the coding strand, the complement: CA8 is on the minus strand). VCF-style: chr8-60208863-G-T. GRCh37 (hg19) VCF-style: chr8-61121422-G-T.
Other names: NC_000008.10:g.61121422G>T; p.Gly265=; c.795C>A, p.Gly265= (NM_001321837.2); c.*53C>A (NM_001321838.2); c.699C>A, p.Gly233= (NM_001321839.2).
Identifiers: ClinVar variation 210555 (VCV000210555.44), dbSNP rs147080672, ClinGen allele CA206240.

ClinVar aggregate classification (germline): Benign/Likely benign. Review status: criteria provided, multiple submitters, no conflicts (2 of 4 stars). 6 submissions from 6 submitters: Benign (1); Likely benign (5). Last evaluated 2026-06-01.

Conditions:
Inborn genetic diseases. Identifiers: MedGen C0950123, MeSH D030342.

Allele frequency attached by ClinVar (database versions not stated): gnomAD 0.00105 and 0.00112; TOPMed 0.00115; ExAC 0.00124; ESP Exome Variant Server 0.00131.
gnomAD v4.1: 3,056 of 1,613,972 alleles (0.19%); highest among the groups gnomAD compares: Non-Finnish European, 0.25%; 9 homozygotes.

Submissions (8):

CeGaT Center for Human Genetics Tuebingen
Classification: Likely benign. Last evaluated: 2026-06-01. Review status: criteria provided, single submitter. Criteria: CeGaT Center For Human Genetics Tuebingen Variant Classification Criteria Version 2. Collection method: clinical testing. Allele origin: germline. Affected: yes. Observed: 10 variant alleles.
Comment: CA8: BP4, BP7

Mayo Clinic Laboratories, Mayo Clinic
Classification: Benign. Last evaluated: 2025-07-15. Review status: criteria provided, single submitter. Criteria: ACMG Guidelines, 2015. Collection method: clinical testing. Allele origin: germline. Observed: 1 variant allele.
Comment: BS1, BS2, BP4, BP7

Blueprint Genetics
Classification: Likely benign. Last evaluated: 2024-11-22. Review status: criteria provided, single submitter. Criteria: ACMG Guidelines, 2015. Collection method: clinical testing. Allele origin: germline.

Labcorp Genetics (formerly Invitae), Labcorp
Classification: Likely benign. Last evaluated: 2019-12-31. Review status: criteria provided, single submitter. Criteria: Invitae Variant Classification Sherloc (09022015). Collection method: clinical testing. Allele origin: germline.

Genetic Services Laboratory, University of Chicago
Classification: Likely benign. Last evaluated: 2017-07-31. Review status: criteria provided, single submitter. Criteria: ACMG Guidelines, 2015. Collection method: clinical testing. Allele origin: germline. Affected: no.

Ambry Genetics
Classification: Likely benign for Inborn genetic diseases. Last evaluated: 2016-11-23. Review status: criteria provided, single submitter. Criteria: Ambry Variant Classification Scheme 2023. Collection method: clinical testing. Allele origin: germline.

Dr. Peter K. Rogan Lab, Western University
No classification provided (evidence only). Condition: Gastric cancer. Review status: no classification provided. Collection method: in vitro. Allele origin: not applicable. Functional consequence: retained intron. Not counted in ClinVar's aggregate classification.

Dr. Peter K. Rogan Lab, Western University
No classification provided (evidence only). Condition: Uterine carcinosarcoma. Review status: no classification provided. Collection method: in vitro. Allele origin: not applicable. Functional consequence: retained intron. Not counted in ClinVar's aggregate classification.